The following is an entry in ClinVar:

ClinVar aggregate classification (germline): Pathogenic (1 of 4 stars; one submission).

Conditions:
Cohen syndrome (COH1). Also called: Cutis verticis gyrata, retinitis pigmentosa, and sensorineural deafness; PEPPER SYNDROME. Identifiers: Orphanet 193, MedGen C0265223, MONDO:0008999, OMIM 216550.

Submission:

Labcorp Genetics (formerly Invitae), Labcorp
Classification: Pathogenic for Cohen syndrome. Last evaluated: 2022-07-30. Review status: criteria provided, single submitter. Criteria: Invitae Variant Classification Sherloc (09022015). Collection method: clinical testing. Allele origin: germline.
Comment: For these reasons, this variant has been classified as Pathogenic. This variant has not been reported in the literature in individuals affected with VPS13B-related conditions. This variant is a gross deletion of the genomic region encompassing exon(s) 36-43 of the VPS13B gene. This deletion is out-of-frame, and is expected to create a premature termination codon and result in an absent or disrupted protein product. Loss-of-function variants in VPS13B are known to be pathogenic (PMID: 15141358, 16648375, 20461111).

Literature cited by the submitters: PubMed 15141358; PubMed 16648375; PubMed 20461111.

NC_000008.10:g.(?_100711733)_(100796724_?)del

Gene: VPS13B (vacuolar protein sorting 13 homolog B; plus strand). Cytogenetic location: 8q22.2.
Variant type: Deletion.
Identifiers: ClinVar variation 2426393 (VCV002426393.4).